The following is an entry in ClinVar:

NM_001374385.1(ATP8B1):c.1473+1G>C

Gene: ATP8B1 (ATPase phospholipid transporting 8B1; minus strand). Cytogenetic location: 18q21.31.
Variant type: single nucleotide variant.
Coding change: c.1473+1G>C on transcript NM_001374385.1 (MANE Select); the canonical splice donor site of the intron after coding-DNA position 1473, G replaced by C.
Molecular consequence: splice donor variant.
Genome position (GRCh38, 1-based): chr18:57,685,071, C>G on the plus strand (G>C on the coding strand, the complement: ATP8B1 is on the minus strand). VCF-style: chr18-57685071-C-G. GRCh37 (hg19) VCF-style: chr18-55352303-C-G.
Other names: c.1473+1G>C (NM_005603.6); c.1323+1G>C (NM_001374386.1).
Identifiers: ClinVar variation 4292858 (VCV004292858.2).

ClinVar aggregate classification (germline): Pathogenic. Review status: criteria provided, multiple submitters, no conflicts (2 of 4 stars). 2 submissions from 2 submitters: Pathogenic (2). Last evaluated 2026-04-14.

Conditions:
Progressive familial intrahepatic cholestasis type 1. Also called: BYLER DISEASE; Byler's disease; Severe ATP8B1 Deficiency (Progressive Familial Intrahepatic Cholestasis Type 1 [PFIC1]). Identifiers: Orphanet 79306, MedGen C4551898, MONDO:0008892, OMIM 211600.
Familial intrahepatic cholestasis. Identifiers: Orphanet 284385, MedGen CN296401, MONDO:0017290.

Submissions (2):

Genomenon, Inc
Classification: Pathogenic for Familial intrahepatic cholestasis. Last evaluated: 2026-04-14. Review status: criteria provided, single submitter. Criteria: Genomenon Sequence Variant Interpretation Standards - Updated. Collection method: curation. Allele origin: germline. Affected: yes.
Comment: ATP8B1 c.1473+1G>C is a canonical splice variant affecting the donor splice site of intron 14. It is predicted to affect mRNA splicing, leading to a deleterious effect on the ATP8B1 protein. This variant has been observed in at least one proband with features of ATP8B1-deficiency (PMID:41165782). It is absent or not present at a significant frequency in gnomAD. In conclusion, we classify ATP8B1 c.1473+1G>C as a pathogenic variant.

3billion
Classification: Pathogenic for Progressive familial intrahepatic cholestasis type 1. Last evaluated: 2024-08-27. Review status: criteria provided, single submitter. Criteria: ACMG Guidelines, 2015. Collection method: clinical testing. Allele origin: germline. Affected: yes.
Comment: The variant is not observed in the gnomAD v4.0.0 dataset. Predicted Consequence/Location: Canonical splice site: predicted to alter splicing and result in a loss or disruption of normal protein function. Multiple pathogenic loss-of-function variants are reported downstream of the variant. In silico tools predict the variant to alter splicing and produce an abnormal transcript [SpliceAI: 1.00 (spliceogenicity >=0.2, non-spliceogenicity <0.1)]. Therefore, this variant is classified as Pathogenic according to the recommendation of ACMG/AMP guideline.

Literature cited by the submitters: PubMed 41165782 (cited by Genomenon, Inc).